The following is an entry in ClinVar:

NM_015692.5(CPAMD8):c.3466G>A (p.Val1156Ile)

Gene: CPAMD8 (C3 and PZP like alpha-2-macroglobulin domain containing 8; minus strand). Cytogenetic location: 19p13.11.
Variant type: single nucleotide variant.
Coding change: c.3466G>A on transcript NM_015692.5 (MANE Select); coding-DNA position 3466, G replaced by A.
Protein change: p.Val1156Ile; replaces valine 1156 with isoleucine.
Molecular consequence: missense variant.
Genome position (GRCh38, 1-based): chr19:16,925,277, C>T on the plus strand (G>A on the coding strand, the complement: CPAMD8 is on the minus strand). VCF-style: chr19-16925277-C-T. GRCh37 (hg19) VCF-style: chr19-17036087-C-T.
Other names: short protein forms V1156I.
Identifiers: ClinVar variation 1234108 (VCV001234108.11), dbSNP rs2250918, ClinGen allele CA9284975.

ClinVar aggregate classification (germline): Benign. Review status: criteria provided, multiple submitters, no conflicts (2 of 4 stars). 4 submissions from 4 submitters: Benign (3). 1 of the submissions does not count toward it. Last evaluated 2026-02-01.

Conditions:
CPAMD8-related disorder. Also called: CPAMD8-related condition.

Allele frequency attached by ClinVar (database versions not stated): ExAC 0.01809; gnomAD 0.05403 and 0.05080; gnomAD exomes 0.00656 and 0.01625; 1000 Genomes Project 0.06010; 1000 Genomes Project 30x 0.06480; TOPMed 0.05778; ESP Exome Variant Server 0.04984.
gnomAD v4.1: 17,682 of 1,614,150 alleles (1.1%); highest among the groups gnomAD compares: African/African-American, 17%; 1,226 homozygotes.

Submissions (4):

Labcorp Genetics (formerly Invitae), Labcorp
Classification: Benign. Last evaluated: 2026-02-01. Review status: criteria provided, single submitter. Criteria: Invitae Variant Classification Sherloc (09022015). Collection method: clinical testing. Allele origin: germline.

GeneDx
Classification: Benign. Last evaluated: 2021-05-04. Review status: criteria provided, single submitter. Criteria: GeneDx Variant Classification Process June 2021. Collection method: clinical testing. Allele origin: germline. Affected: yes.

Breakthrough Genomics
Classification: Benign. Review status: criteria provided, single submitter. Criteria: ACMG Guidelines, 2015. Collection method: not provided. Allele origin: germline. Inheritance: Autosomal recessive inheritance. Affected: yes.

PreventionGenetics, part of Exact Sciences
Classification: Benign for CPAMD8-related condition. Last evaluated: 2019-12-24. Review status: no assertion criteria provided. Collection method: clinical testing. Allele origin: germline. Not counted in ClinVar's aggregate classification.
Comment: This variant is classified as benign based on ACMG/AMP sequence variant interpretation guidelines (Richards et al. 2015 PMID: 25741868, with internal and published modifications).